The following is an entry in ClinVar:

NM_016194.4(GNB5):c.154G>T (p.Glu52Ter)

Genes: GNB5 (G protein subunit beta 5; minus strand), LOC130057083 (ATAC-STARR-seq lymphoblastoid silent region 6445; plus strand). Cytogenetic location: 15q21.2.
Variant type: single nucleotide variant.
Coding change: c.154G>T on transcript NM_016194.4 (MANE Select); coding-DNA position 154, G replaced by T.
Protein change: p.Glu52Ter; replaces glutamic acid 52 with a stop codon.
Molecular consequence: nonsense.
Genome position (GRCh38, 1-based): chr15:52,179,852, C>A on the plus strand (G>T on the coding strand, the complement: GNB5 is on the minus strand). VCF-style: chr15-52179852-C-A. GRCh37 (hg19) VCF-style: chr15-52472049-C-A.
Other names: c.28G>T, p.Glu10Ter (NM_006578.4); short protein forms E10*, E52*.
Identifiers: ClinVar variation 3895326 (VCV003895326.1), dbSNP rs1332666675.

ClinVar aggregate classification (germline): Likely pathogenic (1 of 4 stars; one submission).

Conditions:
Cardiovascular phenotype. Identifiers: MedGen CN230736.

Submission:

Molecular Diagnostic Laboratory for Inherited Cardiovascular Disease, Montreal Heart Institute
Classification: Likely pathogenic for Cardiovascular phenotype. Last evaluated: 2025-01-06. Review status: criteria provided, single submitter. Criteria: ACMG Guidelines, 2015. Collection method: clinical testing. Allele origin: germline. Affected: yes.
Comment: PVS1, PM2